The following is an entry in ClinVar:

NM_000642.3(AGL):c.293+1del

Gene: AGL (amylo-alpha-1,6-glucosidase and 4-alpha-glucanotransferase; plus strand). Cytogenetic location: 1p21.2.
Variant type: Deletion.
Coding change: c.293+1del on transcript NM_000642.3 (MANE Select); the canonical splice donor site of the intron after coding-DNA position 293, one base deleted (G; older notation c.293+1delG).
Molecular consequence: splice donor variant. On other transcripts: intron variant (1).
Genome position (GRCh38, 1-based): chr1:99,861,714, G deleted; the last of 3 consecutive G bases (chr1:99,861,712-99,861,714); deleting any one gives the same sequence. VCF-style (leftmost placement, unchanged base first): chr1-99861711-AG-A. GRCh37 (hg19) VCF-style: chr1-100327267-AG-A.
Other names: c.293+1del (NM_000643.3, NM_001425326.1, NM_001425327.1 and 5 more transcripts); c.293+1delG (NM_000642.3, NM_000642.2); c.245+1del (NM_000646.3); c.83-2672del (NM_001425332.1); c.293del (NM_000642.3).
Identifiers: ClinVar variation 370565 (VCV000370565.23), dbSNP rs777857395, ClinGen allele CA966103.

ClinVar aggregate classification (germline): Pathogenic/Likely pathogenic. Review status: criteria provided, multiple submitters, no conflicts (2 of 4 stars). 9 submissions from 9 submitters: Pathogenic (3); Likely pathogenic (5). 1 of the submissions does not count toward it. Last evaluated 2025-11-25.

Conditions:
Glycogen storage disease type III (GSD3). Also called: Cori disease; FORBES DISEASE. Identifiers: Orphanet 366, MedGen C0017922, MONDO:0009291, OMIM 232400.
Glycogen storage disease. Also called: Disorder of glycogen metabolism; glycogen storage disorder. Identifiers: Orphanet 79201, MedGen C0017919, MONDO:0002412.

Submissions (9):

Labcorp Genetics (formerly Invitae), Labcorp
Classification: Likely pathogenic for Glycogen storage disease type III. Last evaluated: 2025-11-25. Review status: criteria provided, single submitter. Criteria: Invitae Variant Classification Sherloc (09022015). Collection method: clinical testing. Allele origin: germline.
Comment: This sequence change affects a splice site in intron 3 of the AGL gene. It is expected to disrupt RNA splicing. Variants that disrupt the donor or acceptor splice site typically lead to a loss of protein function (PMID: 16199547), and loss-of-function variants in AGL are known to be pathogenic (PMID: 19299494). This variant is present in population databases (rs777857395, gnomAD 0.002%). Disruption of this splice site has been observed in individual(s) with glycogen storage disease with the second AGL variant being unknown (PMID: 20648714). ClinVar contains an entry for this variant (Variation ID: 370565). In summary, the currently available evidence indicates that the variant is pathogenic, but additional data are needed to prove that conclusively. Therefore, this variant has been classified as Likely Pathogenic.

NHS Central & South Genomic Laboratory Hub
Classification: Pathogenic for Glycogen storage disease. Last evaluated: 2025-10-21. Review status: criteria provided, single submitter. Criteria: ACMG Guidelines, 2015. Collection method: clinical testing. Allele origin: germline. Affected: yes.

Natera, Inc.
Classification: Pathogenic for Glycogen storage disease type III. Last evaluated: 2025-10-21. Review status: criteria provided, single submitter. Criteria: Natera Variant Classification Schema (03/2026). Collection method: clinical testing. Allele origin: germline.
Comment: The c.293+1delG variant in AGL is a canonical splice donor site variant predicted to affect pre-mRNA splicing, which may result in an abnormal transcript and altered protein product. This variant is expected to result in nonsense mediated decay, truncation, or a dysfunctional protein product. This variant is rare in the general population with a frequency below the threshold expected for the associated phenotype(s). Another variant at this same site results in an alteration predicted to cause a similar molecular effect has been observed in individual(s) with the associated phenotype. Given the available evidence, this variant is classified as Pathogenic.

Baylor Genetics
Classification: Pathogenic for Glycogen storage disease type III. Last evaluated: 2024-02-08. Review status: criteria provided, single submitter. Criteria: ACMG Guidelines, 2015. Collection method: clinical testing. Allele origin: unknown.

Genome-Nilou Lab
Classification: Likely pathogenic for Glycogen storage disease type III. Last evaluated: 2023-04-11. Review status: criteria provided, single submitter. Criteria: ACMG Guidelines, 2015. Collection method: clinical testing. Allele origin: germline. Affected: no.

Fulgent Genetics
Classification: Likely pathogenic for Glycogen storage disease type III. Last evaluated: 2021-09-20. Review status: criteria provided, single submitter. Criteria: ACMG Guidelines, 2015. Collection method: clinical testing. Allele origin: unknown.

Mayo Clinic Laboratories, Mayo Clinic
Classification: Likely pathogenic. Last evaluated: 2020-03-19. Review status: criteria provided, single submitter. Criteria: ACMG Guidelines, 2015. Collection method: clinical testing. Allele origin: germline. Observed: 1 variant allele.
Comment: PVS1, PM2

Women's Health and Genetics/Laboratory Corporation of America, LabCorp
Classification: Likely pathogenic for Glycogen storage disease type III. Last evaluated: 2020-02-14. Review status: criteria provided, single submitter. Criteria: LabCorp Variant Classification Summary - May 2015. Collection method: clinical testing. Allele origin: germline.
Comment: Variant summary: AGL c.293+1delG is located in a canonical splice-site and is predicted to affect mRNA splicing resulting in a significantly altered protein due to either exon skipping, shortening, or inclusion of intronic material. Several computational tools predict a significant impact on normal splicing: Four predict the variant creates a 5 donor site. However, these predictions have yet to be confirmed by functional studies. The variant allele was found at a frequency of 1.2e-05 in 250334 control chromosomes (gnomAD). c.293+1delG has been reported in the literature in at least one individual affected with Glycogen Storage Disease Type III (Goldstein_2010). These data do not allow any conclusion about variant significance. To our knowledge, no experimental evidence demonstrating an impact on protein function has been reported. Two ClinVar submitters (evaluation after 2014) cite the variant as likely pathogenic. Based on the evidence outlined above, the variant was classified as likely pathogenic.

Counsyl
Classification: Likely pathogenic for Glycogen storage disease type III. Last evaluated: 2016-03-07. Review status: no assertion criteria provided. Collection method: clinical testing. Allele origin: unknown. Not counted in ClinVar's aggregate classification.

Literature cited by the submitters: PubMed 16199547 (cited by Labcorp Genetics (formerly Invitae), Labcorp); PubMed 19299494 (cited by Labcorp Genetics (formerly Invitae), Labcorp); PubMed 20648714 (cited by 4 submitters).